The following is an entry in ClinVar:

NM_005045.4(RELN):c.3712A>C (p.Asn1238His)

Gene: RELN (reelin; minus strand). Cytogenetic location: 7q22.1.
Variant type: single nucleotide variant.
Coding change: c.3712A>C on transcript NM_005045.4 (MANE Select); coding-DNA position 3712, A replaced by C.
Protein change: p.Asn1238His; replaces asparagine 1238 with histidine.
Molecular consequence: missense variant.
Genome position (GRCh38, 1-based): chr7:103,593,882, T>G on the plus strand (A>C on the coding strand, the complement: RELN is on the minus strand). VCF-style: chr7-103593882-T-G. GRCh37 (hg19) VCF-style: chr7-103234329-T-G.
Other names: c.3712A>C, p.Asn1238His (NM_173054.3); short protein forms N1238H.
Identifiers: ClinVar variation 196027 (VCV000196027.42), dbSNP rs114003896, ClinGen allele CA202089.

ClinVar aggregate classification (germline): Benign/Likely benign. Review status: criteria provided, multiple submitters, no conflicts (2 of 4 stars). 7 submissions from 7 submitters: Benign (2); Likely benign (4). 1 of the submissions does not count toward it. Last evaluated 2025-12-29.

Conditions:
Familial temporal lobe epilepsy 7. Identifiers: Orphanet 101046, MedGen C4225327, MONDO:0014639, OMIM 616436.
Norman-Roberts syndrome (LIS2). Also called: Lissencephaly 2 (Norman-Roberts type). Identifiers: Orphanet 89844, MedGen C0796089, MONDO:0009760, OMIM 257320.
RELN-related disorder. Also called: RELN-related condition.

Allele frequency attached by ClinVar (database versions not stated): ESP Exome Variant Server 0.00008; TOPMed 0.00043; gnomAD exomes 0.00218 and 0.00560; 1000 Genomes Project 30x 0.00219; 1000 Genomes Project 0.00240; gnomAD 0.00458 and 0.00468; ExAC 0.00546.
gnomAD v4.1: 3,862 of 1,610,406 alleles (0.24%); highest among the groups gnomAD compares: East Asian, 0.48%; 79 homozygotes.

Submissions (7):

Labcorp Genetics (formerly Invitae), Labcorp
Classification: Benign for Familial temporal lobe epilepsy 7; Norman-Roberts syndrome. Last evaluated: 2025-12-29. Review status: criteria provided, single submitter. Criteria: Invitae Variant Classification Sherloc (09022015). Collection method: clinical testing. Allele origin: germline.

CeGaT Center for Human Genetics Tuebingen
Classification: Likely benign. Last evaluated: 2025-10-01. Review status: criteria provided, single submitter. Criteria: CeGaT Center For Human Genetics Tuebingen Variant Classification Criteria Version 2. Collection method: clinical testing. Allele origin: germline. Affected: yes. Observed: 4 variant alleles.
Comment: RELN: BS2

Illumina Laboratory Services, Illumina
Classification: Likely benign for Norman-Roberts syndrome. Last evaluated: 2018-01-13. Review status: criteria provided, single submitter. Criteria: ICSL Variant Classification Criteria 13 December 2019. Collection method: clinical testing. Allele origin: germline.
Comment: This variant was observed in the ICSL laboratory as part of a predisposition screen in an ostensibly healthy population. It had not been previously curated by ICSL or reported in the Human Gene Mutation Database (HGMD: prior to June 1st, 2018), and was therefore a candidate for classification through an automated scoring system. Utilizing variant allele frequency, disease prevalence and penetrance estimates, and inheritance mode, an automated score was calculated to assess if this variant is too frequent to cause the disease. Based on the score and internal cut-off values, a variant classified as likely benign is not then subjected to further curation. The score for this variant resulted in a classification of likely benign for this disease.

GeneDx
Classification: Likely benign. Last evaluated: 2015-05-14. Review status: criteria provided, single submitter. Criteria: GeneDx Variant Classification (06012015). Collection method: clinical testing. Allele origin: germline. Affected: yes.
Comment: This variant is considered likely benign or benign based on one or more of the following criteria: it is a conservative change, it occurs at a poorly conserved position in the protein, it is predicted to be benign by multiple in silico algorithms, and/or has population frequency not consistent with disease.

Eurofins Ntd Llc (ga)
Classification: Benign. Last evaluated: 2015-01-20. Review status: criteria provided, single submitter. Criteria: EGL Classification Definitions 2015. Collection method: clinical testing. Allele origin: germline. Observed: 1 variant allele, 1 heterozygote.

Breakthrough Genomics
Classification: Likely benign. Review status: criteria provided, single submitter. Criteria: ACMG Guidelines, 2015. Collection method: not provided. Allele origin: germline. Inheritance: Autosomal recessive inheritance. Affected: yes.

PreventionGenetics, part of Exact Sciences
Classification: Likely benign for RELN-related condition. Last evaluated: 2019-04-15. Review status: no assertion criteria provided. Collection method: clinical testing. Allele origin: germline. Not counted in ClinVar's aggregate classification.
Comment: This variant is classified as likely benign based on ACMG/AMP sequence variant interpretation guidelines (Richards et al. 2015 PMID: 25741868, with internal and published modifications).